The following is an entry in ClinVar:

ClinVar aggregate classification (germline): Likely benign (1 of 4 stars; one submission).

Allele frequency attached by ClinVar (database versions not stated): gnomAD exomes 0.00035; 1000 Genomes Project 30x 0.00265; 1000 Genomes Project 0.00300; gnomAD 0.00331 and 0.00359; TOPMed 0.00349.
gnomAD v4.1: 740 of 807,238 alleles (0.092%); highest among the groups gnomAD compares: African/African-American, 1.2%; 9 homozygotes.

Submission:

GeneDx
Classification: Likely benign. Last evaluated: 2018-06-14. Review status: criteria provided, single submitter. Criteria: GeneDx Variant Classification (06012015). Collection method: clinical testing. Allele origin: germline. Affected: yes.
Comment: This variant is considered likely benign or benign based on one or more of the following criteria: it is a conservative change, it occurs at a poorly conserved position in the protein, it is predicted to be benign by multiple in silico algorithms, and/or has population frequency not consistent with disease.

NM_001035.3(RYR2):c.6441-88A>G

Gene: RYR2 (ryanodine receptor 2; plus strand). Cytogenetic location: 1q43.
Variant type: single nucleotide variant.
Coding change: c.6441-88A>G on transcript NM_001035.3 (MANE Select); 88 bases into the intron before coding-DNA position 6441, A replaced by G.
Molecular consequence: intron variant.
Genome position (GRCh38, 1-based): chr1:237,631,339, A>G. VCF-style: chr1-237631339-A-G. GRCh37 (hg19) VCF-style: chr1-237794639-A-G.
Identifiers: ClinVar variation 677884 (VCV000677884.1), dbSNP rs145173795, ClinGen allele CA39841798.